The following is an entry in ClinVar:

ClinVar aggregate classification (germline): Uncertain significance (1 of 4 stars; one submission).

Conditions:
Inborn genetic diseases. Identifiers: MedGen C0950123, MeSH D030342.

Submission:

Ambry Genetics
Classification: Uncertain significance for Inborn genetic diseases. Last evaluated: 2025-08-24. Review status: criteria provided, single submitter. Criteria: Ambry Variant Classification Scheme 2023. Collection method: clinical testing. Allele origin: germline.
Comment: The p.L1147I variant (also known as c.3439C>A), located in coding exon 16 of the MECOM gene, results from a C to A substitution at nucleotide position 3439. The leucine at codon 1147 is replaced by isoleucine, an amino acid with highly similar properties. This amino acid position is conserved. In addition, this alteration is predicted to be tolerated by in silico analysis. Based on the available evidence, the clinical significance of this variant remains unclear.

NM_004991.4(MECOM):c.3439C>A (p.Leu1147Ile)

Gene: MECOM (MDS1 and EVI1 complex locus; minus strand). Cytogenetic location: 3q26.2.
Variant type: single nucleotide variant.
Coding change: c.3439C>A on transcript NM_004991.4 (MANE Select); coding-DNA position 3439, C replaced by A.
Protein change: p.Leu1147Ile; replaces leucine 1147 with isoleucine.
Molecular consequence: missense variant.
Genome position (GRCh38, 1-based): chr3:169,089,146, G>T on the plus strand (C>A on the coding strand, the complement: MECOM is on the minus strand). VCF-style: chr3-169089146-G-T. GRCh37 (hg19) VCF-style: chr3-168806934-G-T.
Other names: c.3070C>A, p.Leu1024Ile (NM_001105077.4); c.2875C>A, p.Leu959Ile (NM_001105078.4, NM_001205194.2, NM_001366469.2 and 1 more transcripts); c.2851C>A, p.Leu951Ile (NM_001163999.2, NM_001366470.2); c.2848C>A, p.Leu950Ile (NM_001164000.2, NM_001366471.2, NM_001366472.2); c.3412C>A, p.Leu1138Ile (NM_001366466.2); c.2878C>A, p.Leu960Ile (NM_001366467.2, NM_001366468.2); c.2440C>A, p.Leu814Ile (NM_001366473.2); c.1876C>A, p.Leu626Ile (NM_001366474.2); short protein forms L950I, L1024I, L626I, L951I, L959I, L960I, L1138I, L814I.
Identifiers: ClinVar variation 4105876 (VCV004105876.1).